The following is an entry in ClinVar:

NM_138959.3(VANGL1):c.*3336G>A

Gene: VANGL1 (VANGL planar cell polarity protein 1; plus strand). Cytogenetic location: 1p13.1.
Variant type: single nucleotide variant.
Coding change: c.*3336G>A on transcript NM_138959.3 (MANE Select); 3336 bases downstream of the stop codon, G replaced by A.
Molecular consequence: 3 prime UTR variant.
Genome position (GRCh38, 1-based): chr1:115,694,715, G>A. VCF-style: chr1-115694715-G-A. GRCh37 (hg19) VCF-style: chr1-116237336-G-A.
Other names: c.*3336G>A (NM_001172411.2, NM_001172412.2).
Identifiers: ClinVar variation 292064 (VCV000292064.5), dbSNP rs61732170, ClinGen allele CA10607562.

ClinVar aggregate classification (germline): Benign/Likely benign. Review status: criteria provided, single submitter (1 of 4 stars). 2 submissions from 1 submitter: Benign (1); Likely benign (1). Last evaluated 2018-01-12.

Conditions:
Sacral defect with anterior meningocele. Identifiers: MedGen C1838568, OMIM 600145.
Neural tube defect (NTD). Also called: Neural tube defects. Identifiers: Orphanet 3388, Orphanet 823, MedGen C0027794, MONDO:0018075, HP:0045005.

Allele frequency attached by ClinVar (database versions not stated): 1000 Genomes Project 30x 0.00718; 1000 Genomes Project 0.00719; TOPMed 0.01134; gnomAD 0.01429 and 0.01470.

Submissions (2):

Illumina Laboratory Services, Illumina
Classification: Benign for Sacral defect with anterior meningocele. Last evaluated: 2018-01-12. Review status: criteria provided, single submitter. Criteria: ICSL Variant Classification Criteria 13 December 2019. Collection method: clinical testing. Allele origin: germline.
Comment: This variant was observed in the ICSL laboratory as part of a predisposition screen in an ostensibly healthy population. It had not been previously curated by ICSL or reported in the Human Gene Mutation Database (HGMD: prior to June 1st, 2018), and was therefore a candidate for classification through an automated scoring system. Utilizing variant allele frequency, disease prevalence and penetrance estimates, and inheritance mode, an automated score was calculated to assess if this variant is too frequent to cause the disease. Based on the score and internal cut-off values, a variant classified as benign is not then subjected to further curation. The score for this variant resulted in a classification of benign for this disease.

Illumina Laboratory Services, Illumina
Classification: Likely benign for Neural tube defects, susceptibility to. Last evaluated: 2018-01-12. Review status: criteria provided, single submitter. Criteria: ICSL Variant Classification Criteria 13 December 2019. Collection method: clinical testing. Allele origin: germline.
Comment: This variant was observed in the ICSL laboratory as part of a predisposition screen in an ostensibly healthy population. It had not been previously curated by ICSL or reported in the Human Gene Mutation Database (HGMD: prior to June 1st, 2018), and was therefore a candidate for classification through an automated scoring system. Utilizing variant allele frequency, disease prevalence and penetrance estimates, and inheritance mode, an automated score was calculated to assess if this variant is too frequent to cause the disease. Based on the score and internal cut-off values, a variant classified as likely benign is not then subjected to further curation. The score for this variant resulted in a classification of likely benign for this disease.